The following is an entry in ClinVar:

NM_198506.5(LRIT3):c.654C>T (p.Val218=)

Gene: LRIT3 (leucine rich repeat, Ig-like and transmembrane domains 3; plus strand). Cytogenetic location: 4q25.
Variant type: single nucleotide variant.
Coding change: c.654C>T on transcript NM_198506.5 (MANE Select); coding-DNA position 654, C replaced by T.
Protein change: p.Val218=; no amino-acid change (valine 218 retained).
Molecular consequence: synonymous variant.
Genome position (GRCh38, 1-based): chr4:109,867,705, C>T. VCF-style: chr4-109867705-C-T. GRCh37 (hg19) VCF-style: chr4-110788861-C-T.
Other names: c.654C>T (NM_198506.4).
Identifiers: ClinVar variation 196601 (VCV000196601.13), dbSNP rs763629262, ClinGen allele CA243610.

ClinVar aggregate classification (germline): Conflicting classifications of pathogenicity. Review status: criteria provided, conflicting classifications (1 of 4 stars). 4 submissions from 4 submitters: Uncertain significance (1); Likely benign (3). Last evaluated 2026-06-22.

Conditions:
LRIT3-related disorder. Also called: LRIT3-related condition.

Allele frequency attached by ClinVar (database versions not stated): gnomAD 0.00001; TOPMed 0.00001; gnomAD exomes 0.00003; ExAC 0.00004.
gnomAD v4.1: 14 of 1,614,024 alleles (0.00087%); highest among the groups gnomAD compares: Middle Eastern, 0.016%; no homozygotes.

Submissions (4):

PreventionGenetics, part of Exact Sciences
Classification: Likely benign for LRIT3-related condition. Last evaluated: 2026-06-22. Review status: criteria provided, single submitter. Criteria: ACMG Guidelines, 2015. Collection method: clinical testing. Allele origin: germline.
Comment: This variant is classified as likely benign based on ACMG/AMP sequence variant interpretation guidelines (Richards et al. 2015 PMID: 25741868, with internal and published modifications).

Blueprint Genetics
Classification: Likely benign. Last evaluated: 2022-05-07. Review status: criteria provided, single submitter. Criteria: ACMG Guidelines, 2015. Collection method: clinical testing. Allele origin: germline.

Labcorp Genetics (formerly Invitae), Labcorp
Classification: Likely benign. Last evaluated: 2022-04-03. Review status: criteria provided, single submitter. Criteria: Invitae Variant Classification Sherloc (09022015). Collection method: clinical testing. Allele origin: germline.

Eurofins Ntd Llc (ga)
Classification: Uncertain significance. Last evaluated: 2015-03-05. Review status: criteria provided, single submitter. Criteria: EGL Classification Definitions 2015. Collection method: clinical testing. Allele origin: germline. Observed: 1 variant allele, 1 heterozygote.